The following is an entry in ClinVar:

NM_170606.3(KMT2C):c.1577G>A (p.Arg526His)

Gene: KMT2C (lysine methyltransferase 2C; minus strand). Cytogenetic location: 7q36.1.
Variant type: single nucleotide variant.
Coding change: c.1577G>A on transcript NM_170606.3 (MANE Select); coding-DNA position 1577, G replaced by A.
Protein change: p.Arg526His; replaces arginine 526 with histidine.
Molecular consequence: missense variant.
Genome position (GRCh38, 1-based): chr7:152,251,983, C>T on the plus strand (G>A on the coding strand, the complement: KMT2C is on the minus strand). VCF-style: chr7-152251983-C-T. GRCh37 (hg19) VCF-style: chr7-151949068-C-T.
Other names: short protein forms R526H.
Identifiers: ClinVar variation 134739 (VCV000134739.1), dbSNP rs3735156, ClinGen allele CA160651.
Genomic context (GRCh38, chr7:152,251,983, plus strand): 5'-TCATTCTCAAATTTACCTGTAGTGAGCTCAGCTATCTCCACTTCCTCACCTGGCTGTAAA[C>T]GATCCATCTCAGCTCCCAGGTGTTTACAATACATGCAGATATACTCTTCTTTGAGCTGAG-3'
Protein context (NP_733751.2, residues 516-536): YCKHLGAEMD[Arg526His]LQPGEEVEIA

ClinVar aggregate classification (germline): not provided (0 of 4 stars; one submission).

gnomAD v4.1: 3 of 1,612,534 alleles (0.00019%); highest among the groups gnomAD compares: Non-Finnish European, 0.00017%; no homozygotes.

Submission:

ITMI
No classification provided. Condition: AllHighlyPenetrant. Last evaluated: 2013-09-19. Review status: no classification provided. Collection method: reference population. Allele origin: germline.
Comment: Please see associated publication for description of ethnicities

Literature cited by the submitters: PubMed 24728327.